The following is an entry in ClinVar:

ClinVar aggregate classification (germline): Likely benign. Review status: criteria provided, multiple submitters, no conflicts (2 of 4 stars). 2 submissions from 2 submitters: Likely benign (2). Last evaluated 2026-04-01.

Conditions:
Inborn genetic diseases. Identifiers: MedGen C0950123, MeSH D030342.

gnomAD v4.1: 13 of 1,612,528 alleles (0.00081%); highest among the groups gnomAD compares: Admixed American, 0.018%; no homozygotes.

Submissions (2):

CeGaT Center for Human Genetics Tuebingen
Classification: Likely benign. Last evaluated: 2026-04-01. Review status: criteria provided, single submitter. Criteria: CeGaT Center For Human Genetics Tuebingen Variant Classification Criteria Version 2. Collection method: clinical testing. Allele origin: germline. Affected: yes. Observed: 1 variant allele.
Comment: KCNT2: BP4

Ambry Genetics
Classification: Likely benign for Inborn genetic diseases. Last evaluated: 2025-07-10. Review status: criteria provided, single submitter. Criteria: Ambry Variant Classification Scheme 2023. Collection method: clinical testing. Allele origin: germline.

NM_198503.5(KCNT2):c.1739A>G (p.His580Arg)

Gene: KCNT2 (potassium sodium-activated channel subfamily T member 2; minus strand). Cytogenetic location: 1q31.3.
Variant type: single nucleotide variant.
Coding change: c.1739A>G on transcript NM_198503.5 (MANE Select); coding-DNA position 1739, A replaced by G.
Protein change: p.His580Arg; replaces histidine 580 with arginine.
Molecular consequence: missense variant. On other transcripts: non-coding transcript variant (2).
Genome position (GRCh38, 1-based): chr1:196,340,385, T>C on the plus strand (A>G on the coding strand, the complement: KCNT2 is on the minus strand). VCF-style: chr1-196340385-T-C. GRCh37 (hg19) VCF-style: chr1-196309515-T-C.
Other names: c.1739A>G, p.His580Arg (NM_001287819.3); c.1589A>G, p.His530Arg (NM_001287820.3); short protein forms H530R, H580R.
Identifiers: ClinVar variation 4041848 (VCV004041848.4).